The following is an entry in ClinVar:

ClinVar aggregate classification (germline): Likely benign. Review status: criteria provided, multiple submitters, no conflicts (2 of 4 stars). 2 submissions from 2 submitters: Likely benign (2). Last evaluated 2025-10-01.

Conditions:
Glycogen storage disease type X (GSD10). Also called: MYOPATHY DUE TO PHOSPHOGLYCERATE MUTASE DEFICIENCY; PGAMM DEFICIENCY; PHOSPHOGLYCERATE MUTASE, MUSCLE, DEFICIENCY OF; Dimauro disease; GSD X; Glycogen storage disease due to phosphoglycerate mutase deficiency. Identifiers: Orphanet 97234, MedGen C0268149, MONDO:0009865, OMIM 261670.

Allele frequency attached by ClinVar (database versions not stated): TOPMed below 0.00001; gnomAD 0.00001; gnomAD exomes 0.00001; ExAC 0.00002; ESP Exome Variant Server 0.00008.
gnomAD v4.1: 14 of 1,613,912 alleles (0.00087%); highest among the groups gnomAD compares: African/African-American, 0.0027%; no homozygotes.

Submissions (2):

CeGaT Center for Human Genetics Tuebingen
Classification: Likely benign. Last evaluated: 2025-10-01. Review status: criteria provided, single submitter. Criteria: CeGaT Center For Human Genetics Tuebingen Variant Classification Criteria Version 2. Collection method: clinical testing. Allele origin: germline. Affected: yes. Observed: 1 variant allele.
Comment: PGAM2: BP4, BP7

Labcorp Genetics (formerly Invitae), Labcorp
Classification: Likely benign for Glycogen storage disease type X. Last evaluated: 2022-11-08. Review status: criteria provided, single submitter. Criteria: Invitae Variant Classification Sherloc (09022015). Collection method: clinical testing. Allele origin: germline.

NM_000290.4(PGAM2):c.309G>A (p.Thr103=)

Genes: DBNL (drebrin like; plus strand), PGAM2 (phosphoglycerate mutase 2; minus strand). Cytogenetic location: 7p13.
Variant type: single nucleotide variant.
Coding change: c.309G>A on transcript NM_000290.4 (MANE Select); coding-DNA position 309, G replaced by A.
Protein change: p.Thr103=; no amino-acid change (threonine 103 retained).
Molecular consequence: synonymous variant. On other transcripts: 3 prime UTR variant (6).
Genome position (GRCh38, 1-based): chr7:44,065,221, C>T on the plus strand (G>A on the coding strand, the complement: PGAM2 is on the minus strand). VCF-style: chr7-44065221-C-T. GRCh37 (hg19) VCF-style: chr7-44104820-C-T.
Other names: c.*4305C>T (NM_001014436.3, NM_001122956.2, NM_001284313.2 and 3 more transcripts).
Identifiers: ClinVar variation 1987302 (VCV001987302.10), dbSNP rs372080857, ClinGen allele CA4236627.